The following is an entry in ClinVar:

ClinVar aggregate classification (germline): Uncertain significance (1 of 4 stars; one submission).

Submission:

Labcorp Genetics (formerly Invitae), Labcorp
Classification: Uncertain significance. Last evaluated: 2022-02-10. Review status: criteria provided, single submitter. Criteria: Invitae Variant Classification Sherloc (09022015). Collection method: clinical testing. Allele origin: germline.
Comment: This variant has not been reported in the literature in individuals affected with ABCA1-related conditions. In summary, the available evidence is currently insufficient to determine the role of this variant in disease. Therefore, it has been classified as a Variant of Uncertain Significance. This variant results in a copy number gain of the genomic region encompassing exon(s) 2-5 of the ABCA1 gene. This region includes the initiator codon of the gene. This copy number gain extends beyond the assayed region for this gene and therefore may encompass additional genes. As the precise location of this event is unknown, it may be in tandem or it may be located elsewhere in the genome.

NC_000009.11:g.(?_107645300)_(107665960_?)dup

Gene: ABCA1 (ATP binding cassette subfamily A member 1; minus strand). Cytogenetic location: 9q31.1.
Variant type: Duplication.
Identifiers: ClinVar variation 1375075 (VCV001375075.5).